The following is an entry in ClinVar:

NM_002693.3(POLG):c.2666C>T (p.Ala889Val)

Gene: POLG (DNA polymerase gamma, catalytic subunit; minus strand). Cytogenetic location: 15q26.1.
Variant type: single nucleotide variant.
Coding change: c.2666C>T on transcript NM_002693.3 (MANE Select); coding-DNA position 2666, C replaced by T.
Protein change: p.Ala889Val; replaces alanine 889 with valine.
Molecular consequence: missense variant.
Genome position (GRCh38, 1-based): chr15:89,321,193, G>A on the plus strand (C>T on the coding strand, the complement: POLG is on the minus strand). VCF-style: chr15-89321193-G-A. GRCh37 (hg19) VCF-style: chr15-89864424-G-A.
Other names: c.2666C>T, p.Ala889Val (NM_001126131.2); short protein forms A889V.
Identifiers: ClinVar variation 2027281 (VCV002027281.5), dbSNP rs1232362461, ClinGen allele CA393753743.

ClinVar aggregate classification (germline): Likely pathogenic. Review status: criteria provided, multiple submitters, no conflicts (2 of 4 stars). 2 submissions from 2 submitters: Likely pathogenic (2). Last evaluated 2026-04-02.

Conditions:
POLG-related disorder. Also called: POLG-Related Spectrum Disorders; POLG-related condition; POLG-Related Disorders. Identifiers: MedGen C4763519.
Progressive sclerosing poliodystrophy (MTDPS4A). Also called: ALPERS PROGRESSIVE INFANTILE POLIODYSTROPHY; Alpers-Huttenlocher Syndrome; Mitochondrial DNA depletion syndrome 4A (Alpers type); Mitochondrial DNA Depletion Syndrome 4A; Alpers Syndrome; ALPERS DIFFUSE DEGENERATION OF CEREBRAL GRAY MATTER WITH HEPATIC CIRRHOSIS. Identifiers: Orphanet 726, MedGen C0205710, MONDO:0008758, OMIM 203700.

Allele frequency attached by ClinVar (database versions not stated): gnomAD 0.00001.

Submissions (2):

Myriad Genetics, Inc.
Classification: Likely pathogenic for POLG-related disorder. Last evaluated: 2026-04-02. Review status: criteria provided, single submitter. Criteria: Myriad Autosomal Dominant, Autosomal Recessive and X-Linked Classification Criteria (2023). Collection method: clinical testing. Allele origin: unknown.
Comment: NM_002693.2(POLG):c.2666C>T(A889V) is a missense variant classified as likely pathogenic in the context of POLG-related disorders. A889V has been observed in a case with relevant disease (PMID: Liausiene_2024_(Abstract)). Relevant functional assessments of this variant are not available in the literature. Internal structural analysis of the variant is supportive of pathogenicity. A889V has not been observed in referenced population frequency databases. In summary, NM_002693.2(POLG):c.2666C>T(A889V) is a missense variant that has internal structural support for pathogenicity and has been observed more frequently in cases with the relevant disease than in healthy populations. Please note: this variant was assessed in the context of healthy population screening.

Labcorp Genetics (formerly Invitae), Labcorp
Classification: Likely pathogenic for Progressive sclerosing poliodystrophy. Last evaluated: 2023-05-08. Review status: criteria provided, single submitter. Criteria: Invitae Variant Classification Sherloc (09022015). Collection method: clinical testing. Allele origin: germline.
Comment: In summary, the currently available evidence indicates that the variant is pathogenic, but additional data are needed to prove that conclusively. Therefore, this variant has been classified as Likely Pathogenic. This variant disrupts the p.Ala889 amino acid residue in POLG. Other variant(s) that disrupt this residue have been determined to be pathogenic (PMID: 12975295, 17980715, 24099403, 25462018, 29474836). This suggests that this residue is clinically significant, and that variants that disrupt this residue are likely to be disease-causing. Advanced modeling of protein sequence and biophysical properties (such as structural, functional, and spatial information, amino acid conservation, physicochemical variation, residue mobility, and thermodynamic stability) performed at Invitae indicates that this missense variant is expected to disrupt POLG protein function. ClinVar contains an entry for this variant (Variation ID: 2027281). This variant has not been reported in the literature in individuals affected with POLG-related conditions. This variant is present in population databases (no rsID available, gnomAD 0.01%). This sequence change replaces alanine, which is neutral and non-polar, with valine, which is neutral and non-polar, at codon 889 of the POLG protein (p.Ala889Val).

Literature cited by the submitters: PubMed 12975295 (cited by Labcorp Genetics (formerly Invitae), Labcorp); PubMed 17980715 (cited by Labcorp Genetics (formerly Invitae), Labcorp); PubMed 24099403 (cited by Labcorp Genetics (formerly Invitae), Labcorp); PubMed 25462018 (cited by Labcorp Genetics (formerly Invitae), Labcorp); PubMed 29474836 (cited by Labcorp Genetics (formerly Invitae), Labcorp).